The following is an entry in ClinVar:

NM_001005373.4(LRSAM1):c.1026G>T (p.Leu342=)

Gene: LRSAM1 (leucine rich repeat and sterile alpha motif containing 1; plus strand). Cytogenetic location: 9q33.3.
Variant type: single nucleotide variant.
Coding change: c.1026G>T on transcript NM_001005373.4 (MANE Select); coding-DNA position 1026, G replaced by T.
Protein change: p.Leu342=; no amino-acid change (leucine 342 retained).
Molecular consequence: synonymous variant. On other transcripts: non-coding transcript variant (2).
Genome position (GRCh38, 1-based): chr9:127,479,961, G>T. VCF-style: chr9-127479961-G-T. GRCh37 (hg19) VCF-style: chr9-130242240-G-T.
Other names: c.1026G>T (NM_138361.4); c.1026G>T, p.Leu342= (NM_001005374.4, NM_001190723.3, NM_001384142.1 and 2 more transcripts); c.237G>T, p.Leu79= (NM_001384144.1).
Identifiers: ClinVar variation 374630 (VCV000374630.47), dbSNP rs367599324, ClinGen allele CA5246785.

ClinVar aggregate classification (germline): Likely benign. Review status: criteria provided, multiple submitters, no conflicts (2 of 4 stars). 5 submissions from 5 submitters: Likely benign (5). Last evaluated 2025-02-28.

Conditions:
Inborn genetic diseases. Identifiers: MedGen C0950123, MeSH D030342.
LRSAM1-related disorder. Also called: LRSAM1-related condition.

Allele frequency attached by ClinVar (database versions not stated): TOPMed 0.00006; gnomAD 0.00007 and 0.00008; ExAC 0.00008; gnomAD exomes 0.00008; ESP Exome Variant Server 0.00015.
gnomAD v4.1: 128 of 1,614,110 alleles (0.0079%); highest among the groups gnomAD compares: Non-Finnish European, 0.0099%; 1 homozygote.

Submissions (5):

PreventionGenetics, part of Exact Sciences
Classification: Likely benign for LRSAM1-related condition. Last evaluated: 2025-02-28. Review status: criteria provided, single submitter. Criteria: ACMG Guidelines, 2015. Collection method: clinical testing. Allele origin: germline.
Comment: This variant is classified as likely benign based on ACMG/AMP sequence variant interpretation guidelines (Richards et al. 2015 PMID: 25741868, with internal and published modifications).

Blueprint Genetics
Classification: Likely benign. Last evaluated: 2024-10-16. Review status: criteria provided, single submitter. Criteria: ACMG Guidelines, 2015. Collection method: clinical testing. Allele origin: germline.

CeGaT Center for Human Genetics Tuebingen
Classification: Likely benign. Last evaluated: 2023-09-01. Review status: criteria provided, single submitter. Criteria: CeGaT Center For Human Genetics Tuebingen Variant Classification Criteria Version 2. Collection method: clinical testing. Allele origin: germline. Affected: yes. Observed: 2 variant alleles.
Comment: LRSAM1: BP4, BP7

Ambry Genetics
Classification: Likely benign for Inborn genetic diseases. Last evaluated: 2019-07-11. Review status: criteria provided, single submitter. Criteria: Ambry Variant Classification Scheme 2023. Collection method: clinical testing. Allele origin: germline.

GeneDx
Classification: Likely benign. Last evaluated: 2018-07-09. Review status: criteria provided, single submitter. Criteria: GeneDx Variant Classification Process June 2021. Collection method: clinical testing. Allele origin: germline. Affected: yes.